The following is an entry in ClinVar:

ClinVar aggregate classification (germline): Uncertain significance (1 of 4 stars; one submission).

Conditions:
Giant axonal neuropathy 1 (GAN1). Also called: GIANT AXONAL NEUROPATHY 1, AUTOSOMAL RECESSIVE; GAN-Related Neurodegeneration. Identifiers: Orphanet 643, MedGen C1850386, MONDO:0009749, OMIM 256850.

Allele frequency attached by ClinVar (database versions not stated): gnomAD exomes below 0.00001.
gnomAD v4.1: 1 of 1,609,916 alleles (0.000062%); highest among the groups gnomAD compares: Admixed American, 0.0017%; no homozygotes.

Submission:

Labcorp Genetics (formerly Invitae), Labcorp
Classification: Uncertain significance for Giant axonal neuropathy 1. Last evaluated: 2022-03-08. Review status: criteria provided, single submitter. Criteria: Invitae Variant Classification Sherloc (09022015). Collection method: clinical testing. Allele origin: germline.
Comment: In summary, the available evidence is currently insufficient to determine the role of this variant in disease. Therefore, it has been classified as a Variant of Uncertain Significance. Algorithms developed to predict the effect of missense changes on protein structure and function (SIFT, PolyPhen-2, Align-GVGD) all suggest that this variant is likely to be tolerated. This variant has not been reported in the literature in individuals affected with GAN-related conditions. This variant is present in population databases (no rsID available, gnomAD 0.003%). This sequence change replaces asparagine, which is neutral and polar, with histidine, which is basic and polar, at codon 509 of the GAN protein (p.Asn509His).

NM_022041.4(GAN):c.1525A>C (p.Asn509His)

Gene: GAN (gigaxonin; plus strand). Cytogenetic location: 16q23.2.
Variant type: single nucleotide variant.
Coding change: c.1525A>C on transcript NM_022041.4 (MANE Select); coding-DNA position 1525, A replaced by C.
Protein change: p.Asn509His; replaces asparagine 509 with histidine.
Molecular consequence: missense variant.
Genome position (GRCh38, 1-based): chr16:81,377,241, A>C. VCF-style: chr16-81377241-A-C. GRCh37 (hg19) VCF-style: chr16-81410846-A-C.
Other names: c.886A>C, p.Asn296His (NM_001377486.1); short protein forms N296H, N509H.
Identifiers: ClinVar variation 2107574 (VCV002107574.4), dbSNP rs1273662071, ClinGen allele CA396892053.
Genomic context (GRCh38, chr16:81,377,241, plus strand): 5'-TTGATTTCCTTAATTTTGTGCATGGGCTTTGTTTTCAGGTGGATCTATCTTAACGACCAG[A>C]ATTTATGCATCCCCGCCAGTTCCTCTTTTGTTTATGGAGCTGTACCTATAGGAGCCAGTA-3'
Protein context (NP_071324.1, residues 499-519): FKRWIYLNDQ[Asn509His]LCIPASSSFV